The following is an entry in ClinVar:

ClinVar aggregate classification (germline): Benign. Review status: criteria provided, multiple submitters, no conflicts (2 of 4 stars). 8 submissions from 8 submitters: Benign (6). 2 of the submissions do not count toward it. Last evaluated 2026-02-04.

Conditions:
Galloway-Mowat syndrome 1 (GAMOS1). Identifiers: Orphanet 2065, Orphanet 83472, MedGen C4551772, MONDO:0033005, OMIM 251300.

Allele frequency attached by ClinVar (database versions not stated): 1000 Genomes Project 0.89537; ExAC 0.85503; gnomAD exomes 0.85741; gnomAD 0.87764 and 0.87940; ESP Exome Variant Server 0.87883; TOPMed 0.88821; 1000 Genomes Project 30x 0.89413.
gnomAD v4.1: 1,354,343 of 1,612,166 alleles (84%); highest among the groups gnomAD compares: African/African-American, 97%; 570,377 homozygotes.

Submissions (8):

Labcorp Genetics (formerly Invitae), Labcorp
Classification: Benign. Last evaluated: 2026-02-04. Review status: criteria provided, single submitter. Criteria: Invitae Variant Classification Sherloc (09022015). Collection method: clinical testing. Allele origin: germline.

Blueprint Genetics
Classification: Benign. Last evaluated: 2024-11-27. Review status: criteria provided, single submitter. Criteria: ACMG Guidelines, 2015. Collection method: clinical testing. Allele origin: germline.

Mayo Clinic Laboratories, Mayo Clinic
Classification: Benign. Last evaluated: 2022-03-24. Review status: criteria provided, single submitter. Criteria: ACMG Guidelines, 2015. Collection method: clinical testing. Allele origin: germline. Observed: 625 variant alleles.

Genome-Nilou Lab
Classification: Benign for Galloway-Mowat syndrome 1. Last evaluated: 2021-12-05. Review status: criteria provided, single submitter. Criteria: ACMG Guidelines, 2015. Collection method: clinical testing. Allele origin: germline. Affected: no.

GeneDx
Classification: Benign. Last evaluated: 2018-04-20. Review status: criteria provided, single submitter. Criteria: GeneDx Variant Classification (06012015). Collection method: clinical testing. Allele origin: germline. Affected: yes.
Comment: This variant is considered likely benign or benign based on one or more of the following criteria: it is a conservative change, it occurs at a poorly conserved position in the protein, it is predicted to be benign by multiple in silico algorithms, and/or has population frequency not consistent with disease.

Breakthrough Genomics
Classification: Benign. Review status: criteria provided, single submitter. Criteria: ACMG Guidelines, 2015. Collection method: not provided. Allele origin: germline. Inheritance: Autosomal recessive inheritance. Affected: yes.

Clinical Genetics DNA and cytogenetics Diagnostics Lab, Erasmus MC, Erasmus Medical Center
Classification: Benign. Review status: no assertion criteria provided. Collection method: clinical testing. Allele origin: germline. Affected: yes. Study: VKGL Data-share Consensus. Not counted in ClinVar's aggregate classification.

Joint Genome Diagnostic Labs from Nijmegen and Maastricht, Radboudumc and MUMC+
Classification: Benign. Review status: no assertion criteria provided. Collection method: clinical testing. Allele origin: germline. Affected: yes. Study: VKGL Data-share Consensus. Not counted in ClinVar's aggregate classification.

NM_032856.5(WDR73):c.591A>G (p.Ser197=)

Gene: WDR73 (WD repeat domain 73; minus strand). Cytogenetic location: 15q25.2.
Variant type: single nucleotide variant.
Coding change: c.591A>G on transcript NM_032856.5 (MANE Select); coding-DNA position 591, A replaced by G.
Protein change: p.Ser197=; no amino-acid change (serine 197 retained).
Molecular consequence: synonymous variant. On other transcripts: non-coding transcript variant (4).
Genome position (GRCh38, 1-based): chr15:84,645,763, T>C on the plus strand (A>G on the coding strand, the complement: WDR73 is on the minus strand). VCF-style: chr15-84645763-T-C. GRCh37 (hg19) VCF-style: chr15-85188994-T-C.
Other names: p.Ser197=; c.591A>G (NM_032856.4).
Identifiers: ClinVar variation 679398 (VCV000679398.16), dbSNP rs2271432, ClinGen allele CA7707300.
Genomic context (GRCh38, chr15:84,645,763, plus strand): 5'-AGGGCTGCGATTCTCCAACGGTGCCCACTTCTGCCGGGTGTCAACAAGCCCCAGCCGGCC[T>C]GAAGCACAGCAGAAGGCAAAGGTGTCTGCATCTAGGACCTGCAGGCTACTCAGCTCCTCA-3'
Protein context (NP_116245.2, residues 187-207): DADTFAFCCA[Ser197=]GRLGLVDTRQ